The following is an entry in ClinVar:

NM_199355.4(ADAMTS18):c.3241G>A (p.Glu1081Lys)

Gene: ADAMTS18 (ADAM metallopeptidase with thrombospondin type 1 motif 18; minus strand). Cytogenetic location: 16q23.1.
Variant type: single nucleotide variant.
Coding change: c.3241G>A on transcript NM_199355.4 (MANE Select); coding-DNA position 3241, G replaced by A.
Protein change: p.Glu1081Lys; replaces glutamic acid 1081 with lysine.
Molecular consequence: missense variant.
Genome position (GRCh38, 1-based): chr16:77,291,427, C>T on the plus strand (G>A on the coding strand, the complement: ADAMTS18 is on the minus strand). VCF-style: chr16-77291427-C-T. GRCh37 (hg19) VCF-style: chr16-77325324-C-T.
Other names: c.2725G>A, p.Glu909Lys (NM_001326358.2); short protein forms E1081K, E909K.
Identifiers: ClinVar variation 1363261 (VCV001363261.5), dbSNP rs374647560, ClinGen allele CA8180528.

ClinVar aggregate classification (germline): Uncertain significance. Review status: criteria provided, multiple submitters, no conflicts (2 of 4 stars). 3 submissions from 3 submitters: Uncertain significance (3). Last evaluated 2024-11-26.

Allele frequency attached by ClinVar (database versions not stated): gnomAD 0.00006 and 0.00007; ExAC 0.00007; ESP Exome Variant Server 0.00008; TOPMed 0.00008; gnomAD exomes 0.00012.
gnomAD v4.1: 142 of 1,614,088 alleles (0.0088%); highest among the groups gnomAD compares: Middle Eastern, 0.099%; no homozygotes.

Submissions (3):

Blueprint Genetics
Classification: Uncertain significance. Last evaluated: 2024-11-26. Review status: criteria provided, single submitter. Criteria: ACMG Guidelines, 2015. Collection method: clinical testing. Allele origin: germline.

Labcorp Genetics (formerly Invitae), Labcorp
Classification: Uncertain significance. Last evaluated: 2022-10-28. Review status: criteria provided, single submitter. Criteria: Invitae Variant Classification Sherloc (09022015). Collection method: clinical testing. Allele origin: germline.
Comment: This sequence change replaces glutamic acid, which is acidic and polar, with lysine, which is basic and polar, at codon 1081 of the ADAMTS18 protein (p.Glu1081Lys). This variant is present in population databases (rs374647560, gnomAD 0.02%). This variant has not been reported in the literature in individuals affected with ADAMTS18-related conditions. ClinVar contains an entry for this variant (Variation ID: 1363261). Algorithms developed to predict the effect of missense changes on protein structure and function are either unavailable or do not agree on the potential impact of this missense change (SIFT: "Not Available"; PolyPhen-2: "Possibly Damaging"; Align-GVGD: "Not Available"). In summary, the available evidence is currently insufficient to determine the role of this variant in disease. Therefore, it has been classified as a Variant of Uncertain Significance.

Breakthrough Genomics
Classification: Uncertain significance. Review status: criteria provided, single submitter. Criteria: ACMG Guidelines, 2015. Collection method: not provided. Allele origin: germline. Inheritance: Autosomal recessive inheritance. Affected: yes.